The following is an entry in ClinVar:

ClinVar aggregate classification (germline): Uncertain significance. Review status: criteria provided, multiple submitters, no conflicts (2 of 4 stars). 2 submissions from 2 submitters: Uncertain significance (2). Last evaluated 2021-12-12.

Conditions:
Emery-Dreifuss muscular dystrophy 4, autosomal dominant (EDMD4). Also called: EMERY-DREIFUSS MUSCULAR DYSTROPHY 4 WITH VARIABLE FEATURES. Identifiers: Orphanet 261, MedGen C2751807, MONDO:0013071, OMIM 612998.
Autosomal recessive ataxia, Beauce type. Also called: Spinocerebellar ataxia, autosomal recessive 8; ATAXIA, RECESSIVE, OF BEAUCE; SYNE1-Related Autosomal Recessive Cerebellar Ataxia; SYNE1 Deficiency. Identifiers: Orphanet 88644, MedGen C1853116, MONDO:0012549, OMIM 610743.
Inborn genetic diseases. Identifiers: MedGen C0950123, MeSH D030342.

Allele frequency attached by ClinVar (database versions not stated): gnomAD 0.00001; ExAC 0.00002; TOPMed 0.00004.
gnomAD v4.1: 7 of 1,614,030 alleles (0.00043%); highest among the groups gnomAD compares: African/African-American, 0.008%; no homozygotes.

Submissions (2):

Labcorp Genetics (formerly Invitae), Labcorp
Classification: Uncertain significance for Emery-Dreifuss muscular dystrophy 4, autosomal dominant; Autosomal recessive ataxia, Beauce type. Last evaluated: 2021-12-12. Review status: criteria provided, single submitter. Criteria: Invitae Variant Classification Sherloc (09022015). Collection method: clinical testing. Allele origin: germline.
Comment: This variant is present in population databases (rs761457824, gnomAD 0.02%). In summary, the available evidence is currently insufficient to determine the role of this variant in disease. Therefore, it has been classified as a Variant of Uncertain Significance. Algorithms developed to predict the effect of missense changes on protein structure and function output the following: SIFT: "Deleterious"; PolyPhen-2: "Benign"; Align-GVGD: "Class C0". The arginine amino acid residue is found in multiple mammalian species, which suggests that this missense change does not adversely affect protein function. This variant has not been reported in the literature in individuals affected with SYNE1-related conditions. This sequence change replaces serine, which is neutral and polar, with arginine, which is basic and polar, at codon 3654 of the SYNE1 protein (p.Ser3654Arg).

Ambry Genetics
Classification: Uncertain significance for Inborn genetic diseases. Last evaluated: 2021-06-22. Review status: criteria provided, single submitter. Criteria: Ambry Variant Classification Scheme 2023. Collection method: clinical testing. Allele origin: germline.

NM_182961.4(SYNE1):c.11007C>A (p.Ser3669Arg)

Gene: SYNE1 (spectrin repeat containing nuclear envelope protein 1; minus strand). Cytogenetic location: 6q25.2.
Variant type: single nucleotide variant.
Coding change: c.11007C>A on transcript NM_182961.4 (MANE Select); coding-DNA position 11007, C replaced by A.
Protein change: p.Ser3669Arg; replaces serine 3669 with arginine.
Molecular consequence: missense variant.
Genome position (GRCh38, 1-based): chr6:152,353,664, G>T on the plus strand (C>A on the coding strand, the complement: SYNE1 is on the minus strand). VCF-style: chr6-152353664-G-T. GRCh37 (hg19) VCF-style: chr6-152674799-G-T.
Other names: c.10962C>A, p.Ser3654Arg (NM_033071.5); short protein forms S3669R, S3654R.
Identifiers: ClinVar variation 2182281 (VCV002182281.4), dbSNP rs761457824, ClinGen allele CA4056815.
Genomic context (GRCh38, chr6:152,353,664, plus strand): 5'-CAGGGCCTGGTATCTGGAAGTCAGCTGGGTGGCCTGGCAACCCATTCTGCTGTTCACGTG[G>T]CTCTCGTCCAGTATCTCCTGAGCTCTAGCTCCCACTTCCTCAACTTCATCTCTGTATGCA-3'
Protein context (NP_892006.3, residues 3659-3679): GARAQEILDE[Ser3669Arg]HVNSRMGCQA